The following is an entry in ClinVar:

NM_004369.4(COL6A3):c.584T>C (p.Met195Thr)

Gene: COL6A3 (collagen type VI alpha 3 chain; minus strand). Cytogenetic location: 2q37.3.
Variant type: single nucleotide variant.
Coding change: c.584T>C on transcript NM_004369.4 (MANE Select); coding-DNA position 584, T replaced by C.
Protein change: p.Met195Thr; replaces methionine 195 with threonine.
Molecular consequence: missense variant. On other transcripts: intron variant (4).
Genome position (GRCh38, 1-based): chr2:237,394,712, A>G on the plus strand (T>C on the coding strand, the complement: COL6A3 is on the minus strand). VCF-style: chr2-237394712-A-G. GRCh37 (hg19) VCF-style: chr2-238303355-A-G.
Other names: c.91+2015T>C (NM_057166.5, NM_057167.4, NM_057164.5 and 1 more transcripts); short protein forms M195T.
Identifiers: ClinVar variation 1035761 (VCV001035761.9), dbSNP rs2078384209, ClinGen allele CA351226722.

ClinVar aggregate classification (germline): Uncertain significance (1 of 4 stars; one submission).

Conditions:
Bethlem myopathy 1A. Also called: Bethlem Muscular Dystrophy; MYOPATHY, BENIGN CONGENITAL, WITH CONTRACTURES; Bethlem myopathy 1. Identifiers: Orphanet 610, MedGen CN029274, MONDO:0024530, OMIM 158810.

Submission:

Labcorp Genetics (formerly Invitae), Labcorp
Classification: Uncertain significance for Bethlem myopathy 1A. Last evaluated: 2022-05-06. Review status: criteria provided, single submitter. Criteria: Invitae Variant Classification Sherloc (09022015). Collection method: clinical testing. Allele origin: germline.
Comment: This sequence change replaces methionine, which is neutral and non-polar, with threonine, which is neutral and polar, at codon 195 of the COL6A3 protein (p.Met195Thr). In summary, the available evidence is currently insufficient to determine the role of this variant in disease. Therefore, it has been classified as a Variant of Uncertain Significance. Advanced modeling of protein sequence and biophysical properties (such as structural, functional, and spatial information, amino acid conservation, physicochemical variation, residue mobility, and thermodynamic stability) performed at Invitae indicates that this missense variant is not expected to disrupt COL6A3 protein function. ClinVar contains an entry for this variant (Variation ID: 1035761). This variant has not been reported in the literature in individuals affected with COL6A3-related conditions. This variant is not present in population databases (gnomAD no frequency).